The following is an entry in ClinVar:

ClinVar aggregate classification (germline): Uncertain significance. Review status: criteria provided, multiple submitters, no conflicts (2 of 4 stars). 2 submissions from 2 submitters: Uncertain significance (2). Last evaluated 2025-07-13.

Allele frequency attached by ClinVar (database versions not stated): gnomAD exomes below 0.00001.
gnomAD v4.1: 1 of 1,614,164 alleles (0.000062%); highest among the groups gnomAD compares: Non-Finnish European, 0.000085%; no homozygotes.

Submissions (2):

Labcorp Genetics (formerly Invitae), Labcorp
Classification: Uncertain significance. Last evaluated: 2025-07-13. Review status: criteria provided, single submitter. Criteria: Invitae Variant Classification Sherloc (09022015). Collection method: clinical testing. Allele origin: germline.
Comment: This sequence change replaces alanine, which is neutral and non-polar, with threonine, which is neutral and polar, at codon 1178 of the SETBP1 protein (p.Ala1178Thr). This variant is not present in population databases (gnomAD no frequency). This variant has not been reported in the literature in individuals affected with SETBP1-related conditions. ClinVar contains an entry for this variant (Variation ID: 2435827). Invitae Evidence Modeling of protein sequence and biophysical properties (such as structural, functional, and spatial information, amino acid conservation, physicochemical variation, residue mobility, and thermodynamic stability) indicates that this missense variant is not expected to disrupt SETBP1 protein function with a negative predictive value of 80%. In summary, the available evidence is currently insufficient to determine the role of this variant in disease. Therefore, it has been classified as a Variant of Uncertain Significance.

Revvity Omics, Revvity
Classification: Uncertain significance. Last evaluated: 2025-04-16. Review status: criteria provided, single submitter. Criteria: ACMG Guidelines, 2015. Collection method: clinical testing. Allele origin: germline.

NM_015559.3(SETBP1):c.3532G>A (p.Ala1178Thr)

Gene: SETBP1 (SET binding protein 1; plus strand). Cytogenetic location: 18q12.3.
Variant type: single nucleotide variant.
Coding change: c.3532G>A on transcript NM_015559.3 (MANE Select); coding-DNA position 3532, G replaced by A.
Protein change: p.Ala1178Thr; replaces alanine 1178 with threonine.
Molecular consequence: missense variant.
Genome position (GRCh38, 1-based): chr18:44,952,872, G>A. VCF-style: chr18-44952872-G-A. GRCh37 (hg19) VCF-style: chr18-42532837-G-A.
Other names: c.3532G>A, p.Ala1178Thr (NM_001379141.1, NM_001379142.1, NM_001410862.1); short protein forms A1178T.
Identifiers: ClinVar variation 2435827 (VCV002435827.4), dbSNP rs2511476289, ClinGen allele CA402324628.